The following is an entry in ClinVar:

NM_004006.3(DMD):c.125G>A (p.Ser42Asn)

Gene: DMD (dystrophin; minus strand). Cytogenetic location: Xp21.1.
Variant type: single nucleotide variant.
Coding change: c.125G>A on transcript NM_004006.3 (MANE Select); coding-DNA position 125, G replaced by A.
Protein change: p.Ser42Asn; replaces serine 42 with asparagine.
Molecular consequence: missense variant. On other transcripts: 5 prime UTR variant (1).
Genome position (GRCh38, 1-based): chrX:32,849,789, C>T on the plus strand (G>A on the coding strand, the complement: DMD is on the minus strand). VCF-style: chrX-32849789-C-T. GRCh37 (hg19) VCF-style: chrX-32867906-C-T.
Other names: c.101G>A, p.Ser34Asn (NM_000109.4); c.113G>A, p.Ser38Asn (NM_004009.3); c.-245G>A (NM_004010.3); short protein forms S42N, S38N, S34N.
Identifiers: ClinVar variation 515907 (VCV000515907.4), dbSNP rs1557084218, ClinGen allele CA412674937.
Genomic context (GRCh38, chrX:32,849,789, plus strand): 5'-AGTTTTTGCCCTGTCAGGCCTTCGAGGAGGTCTAGGAGGCGCCTCCCATCCTGTAGGTCA[C>T]TGAAGAGGTTCTCAATATGCTGCTTCCCAAACTGAAATTAAAAAAAATACACTCAATTTA-3'
Protein context (NP_003997.2, residues 32-52): FGKQHIENLF[Ser42Asn]DLQDGRRLLD

ClinVar aggregate classification (germline): Conflicting classifications of pathogenicity. Review status: criteria provided, conflicting classifications (1 of 4 stars). 2 submissions from 2 submitters: Uncertain significance (1); Likely benign (1). Last evaluated 2023-01-14.

Conditions:
Duchenne muscular dystrophy (DMD). Also called: Duchenne Muscular Dystrophy (DMD); MUSCULAR DYSTROPHY, PSEUDOHYPERTROPHIC PROGRESSIVE, DUCHENNE TYPE. Identifiers: Orphanet 98896, MedGen C0013264, MONDO:0010679, OMIM 310200.

Allele frequency attached by ClinVar (database versions not stated): gnomAD exomes below 0.00001; TOPMed below 0.00001; gnomAD 0.00001.
gnomAD v4.1: 3 of 1,206,624 alleles (0.00025%); highest among the groups gnomAD compares: Non-Finnish European, 0.00034%; no homozygotes.

Submissions (2):

Labcorp Genetics (formerly Invitae), Labcorp
Classification: Uncertain significance for Duchenne muscular dystrophy. Last evaluated: 2023-01-14. Review status: criteria provided, single submitter. Criteria: Invitae Variant Classification Sherloc (09022015). Collection method: clinical testing. Allele origin: germline.
Comment: In summary, the available evidence is currently insufficient to determine the role of this variant in disease. Therefore, it has been classified as a Variant of Uncertain Significance. Advanced modeling of protein sequence and biophysical properties (such as structural, functional, and spatial information, amino acid conservation, physicochemical variation, residue mobility, and thermodynamic stability) performed at Invitae indicates that this missense variant is not expected to disrupt DMD protein function. ClinVar contains an entry for this variant (Variation ID: 515907). This variant has not been reported in the literature in individuals affected with DMD-related conditions. This variant is not present in population databases (gnomAD no frequency). This sequence change replaces serine, which is neutral and polar, with asparagine, which is neutral and polar, at codon 42 of the DMD protein (p.Ser42Asn).

GeneDx
Classification: Likely benign. Last evaluated: 2018-03-08. Review status: criteria provided, single submitter. Criteria: GeneDx Variant Classification (06012015). Collection method: clinical testing. Allele origin: germline. Affected: yes.
Comment: This variant is considered likely benign or benign based on one or more of the following criteria: it is a conservative change, it occurs at a poorly conserved position in the protein, it is predicted to be benign by multiple in silico algorithms, and/or has population frequency not consistent with disease.